The following is an entry in ClinVar:

ClinVar aggregate classification (germline): Benign/Likely benign. Review status: criteria provided, multiple submitters, no conflicts (2 of 4 stars). 5 submissions from 5 submitters: Benign (1); Likely benign (3). 1 of the submissions does not count toward it. Last evaluated 2026-01-25.

Conditions:
TTN-related disorder. Also called: TTN-related condition; TTN-related disease; TTN-related disorders.
Cardiovascular phenotype. Identifiers: MedGen CN230736.
Autosomal recessive limb-girdle muscular dystrophy type 2J (LGMDR10). Also called: Limb-girdle muscular dystrophy, type 2J; MUSCULAR DYSTROPHY, LIMB-GIRDLE, AUTOSOMAL RECESSIVE 10. Identifiers: Orphanet 140922, MedGen C1837342, MONDO:0012127, OMIM 608807.
Dilated cardiomyopathy 1G (CMD1G). Identifiers: Orphanet 154, MedGen C1858763, MONDO:0011400, OMIM 604145.

Allele frequency attached by ClinVar (database versions not stated): gnomAD 0.00003 and 0.00005; TOPMed 0.00005; ExAC 0.00009; 1000 Genomes Project 30x 0.00062; 1000 Genomes Project 0.00080.
gnomAD v4.1: 42 of 1,614,084 alleles (0.0026%); highest among the groups gnomAD compares: East Asian, 0.085%; no homozygotes.

Submissions (5):

Labcorp Genetics (formerly Invitae), Labcorp
Classification: Likely benign for Dilated cardiomyopathy 1G; Autosomal recessive limb-girdle muscular dystrophy type 2J. Last evaluated: 2026-01-25. Review status: criteria provided, single submitter. Criteria: Invitae Variant Classification Sherloc (09022015). Collection method: clinical testing. Allele origin: germline.

PreventionGenetics, part of Exact Sciences
Classification: Likely benign for TTN-related condition. Last evaluated: 2025-08-19. Review status: criteria provided, single submitter. Criteria: ACMG Guidelines, 2015. Collection method: clinical testing. Allele origin: germline.
Comment: This variant is classified as likely benign based on ACMG/AMP sequence variant interpretation guidelines (Richards et al. 2015 PMID: 25741868, with internal and published modifications).

CeGaT Center for Human Genetics Tuebingen
Classification: Likely benign. Last evaluated: 2025-08-01. Review status: criteria provided, single submitter. Criteria: CeGaT Center For Human Genetics Tuebingen Variant Classification Criteria Version 2. Collection method: clinical testing. Allele origin: germline. Affected: yes. Observed: 1 variant allele.
Comment: TTN: BP4

Ambry Genetics
Classification: Benign for Cardiovascular phenotype. Last evaluated: 2019-04-01. Review status: criteria provided, single submitter. Criteria: Ambry Variant Classification Scheme 2023. Collection method: clinical testing. Allele origin: germline.

GeneDx
No classification provided. Last evaluated: 2013-05-23. Review status: no classification provided. Criteria: GeneDx Variant Classification (06012015). Collection method: clinical testing. Allele origin: germline. Affected: yes. Not counted in ClinVar's aggregate classification.
Comment: Missense variants in the TTN gene are considered 'unclassified' if they are not previously reported in the literature and do not have >1% frequency in the population to be considered a polymorphism. Research indicates that truncating mutations in the TTN gene are expected to account for approximately 25% of familial and 18% of sporadic idiopathic DCM; however, truncating variants in the TTN gene have been reported in approximately 3% of reported control alleles. There has been little investigation into non-truncating variants. (Herman D et al. Truncations of titin causing dilated cardiomyopathy. N Eng J Med 366:619-628, 2012) The variant is found in DCM panel(s).

NM_001267550.2(TTN):c.2310G>T (p.Gln770His)

Gene: TTN (titin; minus strand). Cytogenetic location: 2q31.2.
Variant type: single nucleotide variant.
Coding change: c.2310G>T on transcript NM_001267550.2 (MANE Select); coding-DNA position 2310, G replaced by T.
Protein change: p.Gln770His; replaces glutamine 770 with histidine.
Molecular consequence: missense variant.
Genome position (GRCh38, 1-based): chr2:178,785,908, C>A on the plus strand (G>T on the coding strand, the complement: TTN is on the minus strand). VCF-style: chr2-178785908-C-A. GRCh37 (hg19) VCF-style: chr2-179650635-C-A.
Other names: p.Q770H:CAG>CAT; c.2310G>T, p.Gln770His (NM_001256850.1, NM_133378.4, NM_133379.5); c.2172G>T, p.Gln724His (NM_003319.4, NM_133432.3, NM_133437.4); short protein forms Q770H, Q724H.
Identifiers: ClinVar variation 202774 (VCV000202774.23), dbSNP rs541547610, ClinGen allele CA310244.